The following is an entry in ClinVar:

ClinVar aggregate classification (germline): Uncertain significance. Review status: criteria provided, multiple submitters, no conflicts (2 of 4 stars). 2 submissions from 2 submitters: Uncertain significance (2). Last evaluated 2025-09-16.

Conditions:
Inborn genetic diseases. Identifiers: MedGen C0950123, MeSH D030342.

gnomAD v4.1: 2 of 1,611,954 alleles (0.00012%); highest among the groups gnomAD compares: Admixed American, 0.0017%; no homozygotes.

Submissions (2):

Ambry Genetics
Classification: Uncertain significance for Inborn genetic diseases. Last evaluated: 2025-09-16. Review status: criteria provided, single submitter. Criteria: Ambry Variant Classification Scheme 2023. Collection method: clinical testing. Allele origin: germline.
Comment: The c.2347+3A>G intronic alteration consists of a A to G substitution nucleotides after coding exon 22 in the EFTUD2 gene. Based on insufficient or conflicting evidence, the clinical significance of this alteration remains unclear.

Labcorp Genetics (formerly Invitae), Labcorp
Classification: Uncertain significance. Last evaluated: 2025-05-22. Review status: criteria provided, single submitter. Criteria: Invitae Variant Classification Sherloc (09022015). Collection method: clinical testing. Allele origin: germline.
Comment: This sequence change falls in intron 23 of the EFTUD2 gene. It does not directly change the encoded amino acid sequence of the EFTUD2 protein. It affects a nucleotide within the consensus splice site. This variant is not present in population databases (gnomAD no frequency). This variant has not been reported in the literature in individuals affected with EFTUD2-related conditions. Variants that disrupt the consensus splice site are a relatively common cause of aberrant splicing (PMID: 17576681, 9536098). Algorithms developed to predict the effect of sequence changes on RNA splicing suggest that this variant is not likely to affect RNA splicing. In summary, the available evidence is currently insufficient to determine the role of this variant in disease. Therefore, it has been classified as a Variant of Uncertain Significance.

Literature cited by the submitters: PubMed 17576681 (cited by Labcorp Genetics (formerly Invitae), Labcorp); PubMed 9536098 (cited by Labcorp Genetics (formerly Invitae), Labcorp).

NM_004247.4(EFTUD2):c.2347+3A>G

Gene: EFTUD2 (elongation factor Tu GTP binding domain containing 2; minus strand). Cytogenetic location: 17q21.31.
Variant type: single nucleotide variant.
Coding change: c.2347+3A>G on transcript NM_004247.4 (MANE Select); 3 bases into the intron after coding-DNA position 2347, A replaced by G.
Molecular consequence: intron variant.
Genome position (GRCh38, 1-based): chr17:44,854,266, T>C on the plus strand (A>G on the coding strand, the complement: EFTUD2 is on the minus strand). VCF-style: chr17-44854266-T-C. GRCh37 (hg19) VCF-style: chr17-42931634-T-C.
Other names: c.2242+3A>G (NM_001142605.2); c.2317+3A>G (NM_001258354.2); c.2347+3A>G (NM_001258353.2).
Identifiers: ClinVar variation 4618291 (VCV004618291.2).